The following is an entry in ClinVar:

ClinVar aggregate classification (germline): Likely benign. Review status: criteria provided, multiple submitters, no conflicts (2 of 4 stars). 2 submissions from 2 submitters: Likely benign (2). Last evaluated 2022-10-01.

Allele frequency attached by ClinVar (database versions not stated): gnomAD exomes below 0.00001.
gnomAD v4.1: 3 of 1,611,594 alleles (0.00019%); highest among the groups gnomAD compares: Non-Finnish European, 0.00017%; no homozygotes.

Submissions (2):

CeGaT Center for Human Genetics Tuebingen
Classification: Likely benign. Last evaluated: 2022-10-01. Review status: criteria provided, single submitter. Criteria: CeGaT Center For Human Genetics Tuebingen Variant Classification Criteria Version 2. Collection method: clinical testing. Allele origin: germline. Affected: yes. Observed: 1 variant allele.
Comment: ADGRV1: BP4, BP7

Blueprint Genetics
Classification: Likely benign. Last evaluated: 2022-06-14. Review status: criteria provided, single submitter. Criteria: ACMG Guidelines, 2015. Collection method: clinical testing. Allele origin: germline.

NM_032119.4(ADGRV1):c.3600T>C (p.Asn1200=)

Gene: ADGRV1 (adhesion G protein-coupled receptor V1; plus strand). Cytogenetic location: 5q14.3.
Variant type: single nucleotide variant.
Coding change: c.3600T>C on transcript NM_032119.4 (MANE Select); coding-DNA position 3600, T replaced by C.
Protein change: p.Asn1200=; no amino-acid change (asparagine 1200 retained).
Molecular consequence: synonymous variant. On other transcripts: non-coding transcript variant (1).
Genome position (GRCh38, 1-based): chr5:90,652,529, T>C. VCF-style: chr5-90652529-T-C. GRCh37 (hg19) VCF-style: chr5-89948346-T-C.
Identifiers: ClinVar variation 2655585 (VCV002655585.25), dbSNP rs1183737349, ClinGen allele CA445414549.